The following is an entry in ClinVar:

NM_001130987.2(DYSF):c.4886T>C (p.Leu1629Pro)

Gene: DYSF (dysferlin; plus strand). Cytogenetic location: 2p13.2.
Variant type: single nucleotide variant.
Coding change: c.4886T>C on transcript NM_001130987.2 (MANE Select); coding-DNA position 4886, T replaced by C.
Protein change: p.Leu1629Pro; replaces leucine 1629 with proline.
Molecular consequence: missense variant.
Genome position (GRCh38, 1-based): chr2:71,659,008, T>C. VCF-style: chr2-71659008-T-C. GRCh37 (hg19) VCF-style: chr2-71886138-T-C.
Other names: c.4772T>C, p.Leu1591Pro (NM_001130455.2); c.4727T>C, p.Leu1576Pro (NM_001130976.2); c.4790T>C, p.Leu1597Pro (NM_001130977.2); c.4832T>C, p.Leu1611Pro (NM_001130978.2); c.4862T>C, p.Leu1621Pro (NM_001130979.2); c.4820T>C, p.Leu1607Pro (NM_001130980.2); c.4883T>C, p.Leu1628Pro (NM_001130981.2); c.4865T>C, p.Leu1622Pro (NM_001130982.2); and 5 more; short protein forms L1591P, L1598P, L1607P, L1612P, L1576P, L1590P, L1611P, L1621P.
Identifiers: ClinVar variation 2124945 (VCV002124945.4), dbSNP rs2546494984, ClinGen allele CA347219866.

ClinVar aggregate classification (germline): Uncertain significance (1 of 4 stars; one submission).

Conditions:
Neuromuscular disease caused by qualitative or quantitative defects of dysferlin. Also called: Dysferlinopathy; Qualitative or quantitative defects of dysferlin. Identifiers: Orphanet 207073, MedGen C2931687, MONDO:0016145.

Submission:

Labcorp Genetics (formerly Invitae), Labcorp
Classification: Uncertain significance for Neuromuscular disease caused by qualitative or quantitative defects of dysferlin. Last evaluated: 2022-04-11. Review status: criteria provided, single submitter. Criteria: Invitae Variant Classification Sherloc (09022015). Collection method: clinical testing. Allele origin: germline.
Comment: This sequence change replaces leucine, which is neutral and non-polar, with proline, which is neutral and non-polar, at codon 1590 of the DYSF protein (p.Leu1590Pro). In summary, the available evidence is currently insufficient to determine the role of this variant in disease. Therefore, it has been classified as a Variant of Uncertain Significance. Advanced modeling of protein sequence and biophysical properties (such as structural, functional, and spatial information, amino acid conservation, physicochemical variation, residue mobility, and thermodynamic stability) performed at Invitae indicates that this missense variant is expected to disrupt DYSF protein function. This variant has not been reported in the literature in individuals affected with DYSF-related conditions. This variant is not present in population databases (gnomAD no frequency).